The following is an entry in ClinVar:

NM_005366.5(MAGEA11):c.900T>C (p.Asp300=)

Gene: MAGEA11 (MAGE family member A11; plus strand). Cytogenetic location: Xq28.
Variant type: single nucleotide variant.
Coding change: c.900T>C on transcript NM_005366.5 (MANE Select); coding-DNA position 900, T replaced by C.
Protein change: p.Asp300=; no amino-acid change (aspartic acid 300 retained).
Molecular consequence: synonymous variant.
Genome position (GRCh38, 1-based): chrX:149,716,386, T>C. VCF-style: chrX-149716386-T-C. GRCh37 (hg19) VCF-style: chrX-148798046-T-C.
Other names: c.813T>C, p.Asp271= (NM_001011544.2).
Identifiers: ClinVar variation 3034896 (VCV003034896.2), dbSNP rs1557362515, ClinGen allele CA519175902.
Genomic context (GRCh38, chrX:149,716,386, plus strand): 5'-GGAAGTGGACCCCACTAGCCACTCCTATGTCCTTGTCACCTCCCTCAACCTCTCTTATGA[T>C]GGCATACAGTGTAATGAGCAGAGCATGCCCAAGTCTGGCCTCCTGATAATAGTCCTGGGT-3'
Protein context (NP_005357.2, residues 290-310): VLVTSLNLSY[Asp300=]GIQCNEQSMP

ClinVar aggregate classification (germline): Likely benign (0 of 4 stars; one submission).

Conditions:
MAGEA11-related disorder. Also called: MAGEA11-related condition.

Allele frequency attached by ClinVar (database versions not stated): TOPMed below 0.00001; gnomAD 0.00001; gnomAD exomes 0.00001.
gnomAD v4.1: 10 of 1,210,137 alleles (0.00083%); highest among the groups gnomAD compares: Non-Finnish European, 0.0011%; no homozygotes.

Submission:

PreventionGenetics, part of Exact Sciences
Classification: Likely benign for MAGEA11-related condition. Last evaluated: 2019-08-12. Review status: no assertion criteria provided. Collection method: clinical testing. Allele origin: germline.
Comment: This variant is classified as likely benign based on ACMG/AMP sequence variant interpretation guidelines (Richards et al. 2015 PMID: 25741868, with internal and published modifications).